The following is an entry in ClinVar:

ClinVar aggregate classification (germline): Uncertain significance. Review status: criteria provided, multiple submitters, no conflicts (2 of 4 stars). 4 submissions from 4 submitters: Uncertain significance (4). Last evaluated 2025-08-21.

Conditions:
Inborn genetic diseases. Identifiers: MedGen C0950123, MeSH D030342.
Focal segmental glomerulosclerosis (FSGS). Also called: Glomerulosclerosis, focal; Focal sclerosis with hyalinosis. Identifiers: MedGen C0017668, MONDO:0100313, HP:0000097. Disease mechanism: loss of function.

Allele frequency attached by ClinVar (database versions not stated): gnomAD exomes 0.00019 and 0.00015; TOPMed 0.00022; ESP Exome Variant Server 0.00031; ExAC 0.00010; gnomAD 0.00014.
gnomAD v4.1: 254 of 1,609,214 alleles (0.016%); highest among the groups gnomAD compares: Middle Eastern, 0.16%; 1 homozygote.

Submissions (4):

Ambry Genetics
Classification: Uncertain significance for Inborn genetic diseases. Last evaluated: 2025-08-21. Review status: criteria provided, single submitter. Criteria: Ambry Variant Classification Scheme 2023. Collection method: clinical testing. Allele origin: germline.

GeneDx
Classification: Uncertain significance. Last evaluated: 2025-03-19. Review status: criteria provided, single submitter. Criteria: GeneDx Variant Classification Process June 2021. Collection method: clinical testing. Allele origin: germline. Affected: yes.
Comment: In silico analysis indicates that this missense variant does not alter protein structure/function; Has not been previously published as pathogenic or benign to our knowledge

Labcorp Genetics (formerly Invitae), Labcorp
Classification: Uncertain significance. Last evaluated: 2024-10-16. Review status: criteria provided, single submitter. Criteria: Invitae Variant Classification Sherloc (09022015). Collection method: clinical testing. Allele origin: germline.
Comment: This sequence change replaces aspartic acid, which is acidic and polar, with asparagine, which is neutral and polar, at codon 755 of the CRB2 protein (p.Asp755Asn). This variant is present in population databases (rs139042402, gnomAD 0.04%). This variant has not been reported in the literature in individuals affected with CRB2-related conditions. ClinVar contains an entry for this variant (Variation ID: 1000250). Invitae Evidence Modeling of protein sequence and biophysical properties (such as structural, functional, and spatial information, amino acid conservation, physicochemical variation, residue mobility, and thermodynamic stability) indicates that this missense variant is not expected to disrupt CRB2 protein function with a negative predictive value of 80%. In summary, the available evidence is currently insufficient to determine the role of this variant in disease. Therefore, it has been classified as a Variant of Uncertain Significance.

Molecular Genetics, Royal Melbourne Hospital
Classification: Uncertain significance for Focal segmental glomerulosclerosis. Last evaluated: 2024-09-08. Review status: criteria provided, single submitter. Criteria: ACMG Guidelines, 2015. Collection method: clinical testing. Allele origin: germline. Inheritance: Autosomal recessive inheritance. Affected: yes.
Comment: This sequence change in CRB2 is predicted to replace aspartic acid with asparagine at codon 755, p.(Asp755Asn). The aspartic acid residue is weakly conserved (100 vertebrates, Multiz Alignments), and is located in the laminin G-like 2 domain. There is a small physicochemical difference between aspartic acid and asparagine. The highest population minor allele frequency in the population database gnomAD v4.1 is 0.09% (10/ 6,072 alleles) in the Middle-Eastern population. To our knowledge, this variant has not been previously reported in the relevant scientific literature. Computational evidence is uninformative for the missense substitution (REVEL = 0.291) and predicts no impact on splicing (SpliceAI) for the nucleotide change. Based on the classification scheme RMH Modified ACMG Guidelines v1.7.0, this variant is classified as a VARIANT OF UNCERTAIN SIGNIFICANCE. Following criteria are met: none.

NM_173689.7(CRB2):c.2263G>A (p.Asp755Asn)

Gene: CRB2 (crumbs cell polarity complex component 2; plus strand). Cytogenetic location: 9q33.3.
Variant type: single nucleotide variant.
Coding change: c.2263G>A on transcript NM_173689.7 (MANE Select); coding-DNA position 2263, G replaced by A.
Protein change: p.Asp755Asn; replaces aspartic acid 755 with asparagine.
Molecular consequence: missense variant. On other transcripts: non-coding transcript variant (1).
Genome position (GRCh38, 1-based): chr9:123,371,405, G>A. VCF-style: chr9-123371405-G-A. GRCh37 (hg19) VCF-style: chr9-126133684-G-A.
Other names: c.2263G>A (NM_173689.5, NM_173689.6); short protein forms D755N.
Identifiers: ClinVar variation 1000250 (VCV001000250.8), dbSNP rs139042402, ClinGen allele CA5232161.